The following is an entry in ClinVar:

ClinVar aggregate classification (germline): Conflicting classifications of pathogenicity. Review status: criteria provided, conflicting classifications (1 of 4 stars). 5 submissions from 5 submitters: Uncertain significance (3); Likely benign (2). Last evaluated 2026-08-19.

Conditions:
Autosomal dominant nonsyndromic hearing loss 17. Also called: Deafness, autosomal dominant 17; Autosomal dominant nonsyndromic deafness 17. Identifiers: Orphanet 90635, MedGen C1863659, MONDO:0011350, OMIM 603622.
Macrothrombocytopenia and granulocyte inclusions with or without nephritis or sensorineural hearing loss (MATINS). Also called: MACROTHROMBOCYTOPENIA WITH LEUKOCYTE INCLUSIONS; BLEEDING DISORDER, PLATELET-TYPE, 6; MYH9-Related Disease (MYH9-RD); MAY-HEGGLIN ANOMALY; SEBASTIAN PLATELET SYNDROME; MACROTHROMBOCYTOPENIA WITH DISPERSED LEUKOCYTIC INCLUSIONS. Identifiers: Orphanet 182050, MedGen C5200934, MONDO:0015912, OMIM 155100.

Allele frequency attached by ClinVar (database versions not stated): gnomAD 0.00003; TOPMed 0.00003; gnomAD exomes 0.00004 and 0.00008; ExAC 0.00005; ESP Exome Variant Server 0.00015; 1000 Genomes Project 30x 0.00016; 1000 Genomes Project 0.00020.
gnomAD v4.1: 117 of 1,614,084 alleles (0.0072%); highest among the groups gnomAD compares: Non-Finnish European, 0.0094%; no homozygotes.

Submissions (5):

GeneDx
Classification: Uncertain significance. Last evaluated: 2026-08-19. Review status: criteria provided, single submitter. Criteria: GeneDx Variant Classification Process June 2021. Collection method: clinical testing. Allele origin: germline.
Comment: In silico analysis supports that this missense variant has a deleterious effect on protein structure/function; Has not been previously published as pathogenic or benign to our knowledge

Labcorp Genetics (formerly Invitae), Labcorp
Classification: Likely benign. Last evaluated: 2025-09-25. Review status: criteria provided, single submitter. Criteria: Invitae Variant Classification Sherloc (09022015). Collection method: clinical testing. Allele origin: germline.

Mayo Clinic Laboratories, Mayo Clinic
Classification: Uncertain significance. Last evaluated: 2024-04-06. Review status: criteria provided, single submitter. Criteria: ACMG Guidelines, 2015. Collection method: clinical testing. Allele origin: germline. Observed: 1 variant allele.
Comment: PP2

CeGaT Center for Human Genetics Tuebingen
Classification: Likely benign. Last evaluated: 2024-03-01. Review status: criteria provided, single submitter. Criteria: CeGaT Center For Human Genetics Tuebingen Variant Classification Criteria Version 2. Collection method: clinical testing. Allele origin: germline. Affected: yes. Observed: 1 variant allele.
Comment: MYH9: BP4

Fulgent Genetics
Classification: Uncertain significance for Macrothrombocytopenia and granulocyte inclusions with or without nephritis or sensorineural hearing loss; Autosomal dominant nonsyndromic hearing loss 17. Last evaluated: 2022-05-06. Review status: criteria provided, single submitter. Criteria: ACMG Guidelines, 2015. Collection method: clinical testing. Allele origin: unknown.

NM_002473.6(MYH9):c.3181A>T (p.Ser1061Cys)

Gene: MYH9 (myosin heavy chain 9; minus strand). Cytogenetic location: 22q12.3.
Variant type: single nucleotide variant.
Coding change: c.3181A>T on transcript NM_002473.6 (MANE Select); coding-DNA position 3181, A replaced by T.
Protein change: p.Ser1061Cys; replaces serine 1061 with cysteine.
Genome position (GRCh38, 1-based): chr22:36,296,934, T>A on the plus strand (A>T on the coding strand, the complement: MYH9 is on the minus strand). VCF-style: chr22-36296934-T-A. GRCh37 (hg19) VCF-style: chr22-36692980-T-A.
Other names: p.Ser1061Cys; c.3181A>T (NM_002473.5); short protein forms S1061C.
Identifiers: ClinVar variation 1691816 (VCV001691816.31), dbSNP rs199971000, ClinGen allele CA10209734.